The following is an entry in ClinVar:

NM_014141.6(CNTNAP2):c.200A>G (p.Lys67Arg)

Gene: CNTNAP2 (contactin associated protein 2; plus strand). Cytogenetic location: 7q35.
Variant type: single nucleotide variant.
Coding change: c.200A>G on transcript NM_014141.6 (MANE Select); coding-DNA position 200, A replaced by G.
Protein change: p.Lys67Arg; replaces lysine 67 with arginine.
Molecular consequence: missense variant.
Genome position (GRCh38, 1-based): chr7:146,774,373, A>G. VCF-style: chr7-146774373-A-G. GRCh37 (hg19) VCF-style: chr7-146471465-A-G.
Other names: p.K67R:AAG>AGG; short protein forms K67R.
Identifiers: ClinVar variation 205297 (VCV000205297.9), dbSNP rs755518759, ClinGen allele CA314228.
Genomic context (GRCh38, chr7:146,774,373, plus strand): 5'-CTTTCAGCAGCTCCTCCTCCATCTCTGGTAGCTATTCTCCCGGCTATGCCAAGATAAACA[A>G]GAGAGGAGGTAAGCCAAATTTTGATTCTTTTATCAATAAACATGTTAAATAAGAACATGT-3'
Protein context (NP_054860.1, residues 57-77): SYSPGYAKIN[Lys67Arg]RGGAGGWSPS

ClinVar aggregate classification (germline): Uncertain significance. Review status: criteria provided, multiple submitters, no conflicts (2 of 4 stars). 3 submissions from 3 submitters: Uncertain significance (3). Last evaluated 2022-08-19.

Conditions:
Cortical dysplasia-focal epilepsy syndrome (PTHSL1). Also called: Pitt-Hopkins-like syndrome 1. Identifiers: Orphanet 163681, Orphanet 221150, MedGen C2750246, MONDO:0012400, OMIM 610042.

Allele frequency attached by ClinVar (database versions not stated): ExAC 0.00002; gnomAD exomes 0.00002 and 0.00009; gnomAD 0.00003 and 0.00004; TOPMed 0.00003.
gnomAD v4.1: 140 of 1,613,474 alleles (0.0087%); highest among the groups gnomAD compares: Non-Finnish European, 0.012%; no homozygotes.

Submissions (3):

Labcorp Genetics (formerly Invitae), Labcorp
Classification: Uncertain significance for Cortical dysplasia-focal epilepsy syndrome. Last evaluated: 2022-08-19. Review status: criteria provided, single submitter. Criteria: Invitae Variant Classification Sherloc (09022015). Collection method: clinical testing. Allele origin: germline.
Comment: This sequence change replaces lysine, which is basic and polar, with arginine, which is basic and polar, at codon 67 of the CNTNAP2 protein (p.Lys67Arg). This variant is present in population databases (rs755518759, gnomAD 0.005%). This variant has not been reported in the literature in individuals affected with CNTNAP2-related conditions. ClinVar contains an entry for this variant (Variation ID: 205297). Algorithms developed to predict the effect of missense changes on protein structure and function (SIFT, PolyPhen-2, Align-GVGD) all suggest that this variant is likely to be tolerated. In summary, the available evidence is currently insufficient to determine the role of this variant in disease. Therefore, it has been classified as a Variant of Uncertain Significance.

GeneDx
Classification: Uncertain significance. Last evaluated: 2020-09-04. Review status: criteria provided, single submitter. Criteria: GeneDx Variant Classification Process June 2021. Collection method: clinical testing. Allele origin: germline. Affected: yes.
Comment: Not observed at a significant frequency in large population cohorts (Lek et al., 2016); In silico analysis supports that this missense variant does not alter protein structure/function; Has not been previously published as pathogenic or benign to our knowledge

Breakthrough Genomics
Classification: Uncertain significance. Review status: criteria provided, single submitter. Criteria: ACMG Guidelines, 2015. Collection method: not provided. Allele origin: germline. Inheritance: Autosomal recessive inheritance. Affected: yes.